The following is an entry in ClinVar:

NM_003072.5(SMARCA4):c.1106A>G (p.Glu369Gly)

Gene: SMARCA4 (SWI/SNF related BAF chromatin remodeling complex subunit ATPase 4; plus strand). Cytogenetic location: 19p13.2.
Variant type: single nucleotide variant.
Coding change: c.1106A>G on transcript NM_003072.5 (MANE Select); coding-DNA position 1106, A replaced by G.
Protein change: p.Glu369Gly; replaces glutamic acid 369 with glycine.
Molecular consequence: missense variant. On other transcripts: non-coding transcript variant (1).
Genome position (GRCh38, 1-based): chr19:10,987,912, A>G. VCF-style: chr19-10987912-A-G. GRCh37 (hg19) VCF-style: chr19-11098588-A-G.
Other names: c.1106A>G, p.Glu369Gly (NM_001128846.2, NM_001128847.4, NM_001128848.2 and 6 more transcripts); short protein forms E369G.
Identifiers: ClinVar variation 4086435 (VCV004086435.1).

ClinVar aggregate classification (germline): Uncertain significance (1 of 4 stars; one submission).

Submission:

GeneDx
Classification: Uncertain significance. Last evaluated: 2025-03-21. Review status: criteria provided, single submitter. Criteria: GeneDx Variant Classification Process June 2021. Collection method: clinical testing. Allele origin: germline. Affected: yes.
Comment: In silico analysis supports that this missense variant has a deleterious effect on protein structure/function; Not observed at significant frequency in large population cohorts (gnomAD); Has not been previously published as pathogenic or benign to our knowledge